The following is an entry in ClinVar:

NM_144773.4(PROKR2):c.1000G>T (p.Val334Leu)

Gene: PROKR2 (prokineticin receptor 2; minus strand). Cytogenetic location: 20p12.3.
Variant type: single nucleotide variant.
Coding change: c.1000G>T on transcript NM_144773.4 (MANE Select); coding-DNA position 1000, G replaced by T.
Protein change: p.Val334Leu; replaces valine 334 with leucine.
Molecular consequence: missense variant.
Genome position (GRCh38, 1-based): chr20:5,302,195, C>A on the plus strand (G>T on the coding strand, the complement: PROKR2 is on the minus strand). VCF-style: chr20-5302195-C-A. GRCh37 (hg19) VCF-style: chr20-5282841-C-A.
Other names: short protein forms V334L.
Identifiers: ClinVar variation 3342196 (VCV003342196.16).

ClinVar aggregate classification (germline): Uncertain significance (1 of 4 stars; one submission).

gnomAD v4.1: 2 of 1,614,210 alleles (0.00012%); highest among the groups gnomAD compares: Non-Finnish European, 0.00017%; no homozygotes.

Submission:

CeGaT Center for Human Genetics Tuebingen
Classification: Uncertain significance. Last evaluated: 2025-09-01. Review status: criteria provided, single submitter. Criteria: CeGaT Center For Human Genetics Tuebingen Variant Classification Criteria Version 2. Collection method: clinical testing. Allele origin: germline. Affected: yes. Observed: 2 variant alleles.
Comment: PROKR2: PM2